The following is an entry in ClinVar:

NM_014795.4(ZEB2):c.2986_2987del (p.Ser996fs)

Gene: ZEB2 (zinc finger E-box binding homeobox 2; minus strand). Cytogenetic location: 2q22.3.
Variant type: Microsatellite.
Coding change: c.2986_2987del on transcript NM_014795.4 (MANE Select); coding-DNA positions 2986 to 2987, 2 bases deleted (AG; older notation c.2986_2987delAG).
Protein change: p.Ser996fs; shifts the reading frame from serine 996.
Molecular consequence: frameshift variant.
Genome position (GRCh38, 1-based): chr2:144,396,492-144,396,493, CT deleted on the plus strand (AG on the coding strand, the reverse complement: ZEB2 is on the minus strand); deleting any 2 consecutive bases within chr2:144,396,492-144,396,497 gives the same sequence; the c. name uses the placement nearest the transcript's 3' end. VCF-style (leftmost placement, unchanged base first): chr2-144396491-ACT-A. GRCh37 (hg19) VCF-style: chr2-145154058-ACT-A.
Other names: c.2914_2915del, p.Ser972fs (NM_001171653.2); short protein forms S972fs, S996fs.
Identifiers: ClinVar variation 500047 (VCV000500047.7), dbSNP rs1553961343, ClinGen allele CA658795856.

ClinVar aggregate classification (germline): Pathogenic. Review status: criteria provided, multiple submitters, no conflicts (2 of 4 stars). 2 submissions from 2 submitters: Pathogenic (2). Last evaluated 2024-02-17.

Conditions:
Mowat-Wilson syndrome (MOWS). Also called: Classic Mowat-Wilson Syndrome. Identifiers: Orphanet 2152, MedGen C1856113, MONDO:0009341, OMIM 235730.

Submissions (2):

Labcorp Genetics (formerly Invitae), Labcorp
Classification: Pathogenic for Mowat-Wilson syndrome. Last evaluated: 2024-02-17. Review status: criteria provided, single submitter. Criteria: Invitae Variant Classification Sherloc (09022015). Collection method: clinical testing. Allele origin: germline.
Comment: This sequence change creates a premature translational stop signal (p.Ser996Trpfs*6) in the ZEB2 gene. It is expected to result in an absent or disrupted protein product. Loss-of-function variants in ZEB2 are known to be pathogenic (PMID: 16053902). This variant is not present in population databases (gnomAD no frequency). This variant has not been reported in the literature in individuals affected with ZEB2-related conditions. For these reasons, this variant has been classified as Pathogenic.

Eurofins Ntd Llc (ga)
Classification: Pathogenic. Last evaluated: 2017-03-13. Review status: criteria provided, single submitter. Criteria: EGL Classification Definitions 2015. Collection method: clinical testing. Allele origin: germline. Observed: 1 variant allele, 1 heterozygote.

Literature cited by the submitters: PubMed 16053902 (cited by Labcorp Genetics (formerly Invitae), Labcorp).